The following is an entry in ClinVar:

ClinVar aggregate classification (germline): Uncertain significance (1 of 4 stars; one submission).

Submission:

Labcorp Genetics (formerly Invitae), Labcorp
Classification: Uncertain significance. Last evaluated: 2024-04-17. Review status: criteria provided, single submitter. Criteria: Invitae Variant Classification Sherloc (09022015). Collection method: clinical testing. Allele origin: germline.
Comment: This sequence change replaces glutamine, which is neutral and polar, with lysine, which is basic and polar, at codon 89 of the SETBP1 protein (p.Gln89Lys). This variant is not present in population databases (gnomAD no frequency). This variant has not been reported in the literature in individuals affected with SETBP1-related conditions. ClinVar contains an entry for this variant (Variation ID: 2122274). An algorithm developed to predict the effect of missense changes on protein structure and function (PolyPhen-2) suggests that this variant is likely to be disruptive. In summary, the available evidence is currently insufficient to determine the role of this variant in disease. Therefore, it has been classified as a Variant of Uncertain Significance.

NM_015559.3(SETBP1):c.265C>A (p.Gln89Lys)

Gene: SETBP1 (SET binding protein 1; plus strand). Cytogenetic location: 18q12.3.
Variant type: single nucleotide variant.
Coding change: c.265C>A on transcript NM_015559.3 (MANE Select); coding-DNA position 265, C replaced by A.
Protein change: p.Gln89Lys; replaces glutamine 89 with lysine.
Molecular consequence: missense variant.
Genome position (GRCh38, 1-based): chr18:44,701,611, C>A. VCF-style: chr18-44701611-C-A. GRCh37 (hg19) VCF-style: chr18-42281576-C-A.
Other names: c.265C>A, p.Gln89Lys (NM_001130110.2, NM_001379141.1, NM_001379142.1 and 1 more transcripts); short protein forms Q89K.
Identifiers: ClinVar variation 2122274 (VCV002122274.4), dbSNP rs1568097623, ClinGen allele CA402481788.